The following is an entry in ClinVar:

NM_033305.3(VPS13A):c.5992-2A>T

Gene: VPS13A (vacuolar protein sorting 13 homolog A; plus strand). Cytogenetic location: 9q21.2.
Variant type: single nucleotide variant.
Coding change: c.5992-2A>T on transcript NM_033305.3 (MANE Select); the canonical splice acceptor site of the intron before coding-DNA position 5992, A replaced by T.
Molecular consequence: splice acceptor variant.
Genome position (GRCh38, 1-based): chr9:77,332,008, A>T. VCF-style: chr9-77332008-A-T. GRCh37 (hg19) VCF-style: chr9-79946924-A-T.
Other names: c.5875-2A>T (NM_001018037.2); c.5992-2A>T (NM_015186.4, NM_001018038.3).
Identifiers: ClinVar variation 2714109 (VCV002714109.3), dbSNP rs1830300099, ClinGen allele CA373847334.
Genomic context (GRCh38, chr9:77,332,008, plus strand): 5'-TTTTACACATCTTTAGATTCTTAGATTAATGATACTAAATATTATTTGTTTTTCTTTCCC[A>T]GATAAGAAATCATTTTTCAGTCCCACTGTCTGTTTACGAAGGGGATACCTTATTGGGAAC-3'

ClinVar aggregate classification (germline): Likely pathogenic (1 of 4 stars; one submission).

Submission:

Labcorp Genetics (formerly Invitae), Labcorp
Classification: Likely pathogenic. Last evaluated: 2024-01-29. Review status: criteria provided, single submitter. Criteria: Invitae Variant Classification Sherloc (09022015). Collection method: clinical testing. Allele origin: germline.
Comment: This sequence change affects an acceptor splice site in intron 45 of the VPS13A gene. It is expected to disrupt RNA splicing. Variants that disrupt the donor or acceptor splice site typically lead to a loss of protein function (PMID: 16199547), and loss-of-function variants in VPS13A are known to be pathogenic (PMID: 12404112, 21598378). This variant is not present in population databases (gnomAD no frequency). This variant has not been reported in the literature in individuals affected with VPS13A-related conditions. Algorithms developed to predict the effect of sequence changes on RNA splicing suggest that this variant may disrupt the consensus splice site. In summary, the currently available evidence indicates that the variant is pathogenic, but additional data are needed to prove that conclusively. Therefore, this variant has been classified as Likely Pathogenic.

Literature cited by the submitters: PubMed 16199547; PubMed 12404112; PubMed 21598378.